The following is an entry in ClinVar:

NM_000110.4(DPYD):c.1494A>T (p.Gln498His)

Gene: DPYD (dihydropyrimidine dehydrogenase; minus strand). Cytogenetic location: 1p21.3.
Variant type: single nucleotide variant.
Coding change: c.1494A>T on transcript NM_000110.4 (MANE Select); coding-DNA position 1494, A replaced by T.
Protein change: p.Gln498His; replaces glutamine 498 with histidine.
Molecular consequence: missense variant.
Genome position (GRCh38, 1-based): chr1:97,549,590, T>A on the plus strand (A>T on the coding strand, the complement: DPYD is on the minus strand). VCF-style: chr1-97549590-T-A. GRCh37 (hg19) VCF-style: chr1-98015146-T-A.
Other names: short protein forms Q498H.
Identifiers: ClinVar variation 3390792 (VCV003390792.2).
Genomic context (GRCh38, chr1:97,549,590, plus strand): 5'-AATTAAGTGGAAATGATGGCAAATGCCTACCTGTACGTATTTGTGAATGTACCAAGAAGC[T>A]TGCTTTCCATCATTCACCGATTCCACTGTAGTGTTAGCCAAACCAACGACATCACCACCT-3'
Protein context (NP_000101.2, residues 488-508): TTVESVNDGK[Gln498His]ASWYIHKYVQ

ClinVar aggregate classification (germline): Uncertain significance (1 of 4 stars; one submission).

gnomAD v4.1: 7 of 1,613,750 alleles (0.00043%); highest among the groups gnomAD compares: African/African-American, 0.008%; no homozygotes.

Submission:

GeneDx
Classification: Uncertain significance. Last evaluated: 2026-04-16. Review status: criteria provided, single submitter. Criteria: GeneDx Variant Classification Process June 2021. Collection method: clinical testing. Allele origin: germline.
Comment: In silico analysis suggests that this missense variant does not alter protein structure/function; Has not been previously published as pathogenic or benign to our knowledge